The following is an entry in ClinVar:

NM_001142800.2(EYS):c.-133G>C

Gene: EYS (eyes shut homolog; minus strand). Cytogenetic location: 6q12.
Variant type: single nucleotide variant.
Coding change: c.-133G>C on transcript NM_001142800.2 (MANE Select); 133 bases upstream of the start codon, G replaced by C.
Molecular consequence: 5 prime UTR variant.
Genome position (GRCh38, 1-based): chr6:65,495,543, C>G on the plus strand (G>C on the coding strand, the complement: EYS is on the minus strand). VCF-style: chr6-65495543-C-G. GRCh37 (hg19) VCF-style: chr6-66205436-C-G.
Other names: c.-133G>C (NM_001142801.2, NM_001292009.2, NM_198283.2).
Identifiers: ClinVar variation 1466787 (VCV001466787.3), dbSNP rs1319482879, ClinGen allele CA827149890.
Genomic context (GRCh38, chr6:65,495,543, plus strand): 5'-TTTCCAAGTAAAGTTGTGGTTAAGGATTCCTGGGAATTGGAATTGACCTTTTTTCTATAC[C>G]CAAAGTAGCTTTGATGACAATGTGCTTTGATGGAGAAACAGGAATTCAAATGTTGTAAAT-3'

ClinVar aggregate classification (germline): Uncertain significance (1 of 4 stars; one submission).

Allele frequency attached by ClinVar (database versions not stated): gnomAD exomes below 0.00001; TOPMed below 0.00001; gnomAD 0.00001.
gnomAD v4.1: 3 of 838,850 alleles (0.00036%); highest among the groups gnomAD compares: Non-Finnish European, 0.00038%; no homozygotes.

Submission:

Labcorp Genetics (formerly Invitae), Labcorp
Classification: Uncertain significance. Last evaluated: 2021-08-23. Review status: criteria provided, single submitter. Criteria: Invitae Variant Classification Sherloc (09022015). Collection method: clinical testing. Allele origin: germline.
Comment: This variant occurs in a non-coding region of the EYS gene. It does not change the encoded amino acid sequence of the EYS protein. The frequency data for this variant in the population databases is considered unreliable, as metrics indicate insufficient coverage at this position in the ExAC database. This variant has not been reported in the literature in individuals affected with EYS-related conditions. Experimental studies and prediction algorithms are not available or were not evaluated, and the functional significance of this variant is currently unknown. In summary, the available evidence is currently insufficient to determine the role of this variant in disease. Therefore, it has been classified as a Variant of Uncertain Significance.